The following is an entry in ClinVar:

NM_001083961.2(WDR62):c.2563A>G (p.Lys855Glu)

Gene: WDR62 (WD repeat domain 62; plus strand). Cytogenetic location: 19q13.12.
Variant type: single nucleotide variant.
Coding change: c.2563A>G on transcript NM_001083961.2 (MANE Select); coding-DNA position 2563, A replaced by G.
Protein change: p.Lys855Glu; replaces lysine 855 with glutamic acid.
Molecular consequence: missense variant.
Genome position (GRCh38, 1-based): chr19:36,099,441, A>G. VCF-style: chr19-36099441-A-G. GRCh37 (hg19) VCF-style: chr19-36590343-A-G.
Other names: c.2563A>G, p.Lys855Glu (NM_173636.5); short protein forms K855E.
Identifiers: ClinVar variation 1400960 (VCV001400960.8), dbSNP rs1430004074, ClinGen allele CA405442466.

ClinVar aggregate classification (germline): Uncertain significance (1 of 4 stars; one submission).

Allele frequency attached by ClinVar (database versions not stated): TOPMed below 0.00001.

Submission:

Labcorp Genetics (formerly Invitae), Labcorp
Classification: Uncertain significance. Last evaluated: 2022-07-05. Review status: criteria provided, single submitter. Criteria: Invitae Variant Classification Sherloc (09022015). Collection method: clinical testing. Allele origin: germline.
Comment: In summary, the available evidence is currently insufficient to determine the role of this variant in disease. Therefore, it has been classified as a Variant of Uncertain Significance. Algorithms developed to predict the effect of missense changes on protein structure and function are either unavailable or do not agree on the potential impact of this missense change (SIFT: "Tolerated"; PolyPhen-2: "Possibly Damaging"; Align-GVGD: "Class C0"). ClinVar contains an entry for this variant (Variation ID: 1400960). This variant has not been reported in the literature in individuals affected with WDR62-related conditions. This variant is not present in population databases (gnomAD no frequency). This sequence change replaces lysine, which is basic and polar, with glutamic acid, which is acidic and polar, at codon 855 of the WDR62 protein (p.Lys855Glu).